The following is an entry in ClinVar:

ClinVar aggregate classification (germline): Uncertain significance (1 of 4 stars; one submission).

Conditions:
Hereditary nonpolyposis colorectal neoplasms. Identifiers: MedGen C0009405, MeSH D003123.

Submission:

Labcorp Genetics (formerly Invitae), Labcorp
Classification: Uncertain significance for Hereditary nonpolyposis colorectal neoplasms. Last evaluated: 2023-11-24. Review status: criteria provided, single submitter. Criteria: Invitae Variant Classification Sherloc (09022015). Collection method: clinical testing. Allele origin: germline.
Comment: This variant, c.772_774dup, results in the insertion of 1 amino acid(s) of the MSH6 protein (p.Ile258dup), but otherwise preserves the integrity of the reading frame. This variant is not present in population databases (gnomAD no frequency). This variant has not been reported in the literature in individuals affected with MSH6-related conditions. In summary, the available evidence is currently insufficient to determine the role of this variant in disease. Therefore, it has been classified as a Variant of Uncertain Significance.

NM_000179.3(MSH6):c.772_774dup (p.Ile258_Gly259insIle)

Gene: MSH6 (mutS homolog 6; plus strand). Cytogenetic location: 2p16.3.
Variant type: Duplication.
Coding change: c.772_774dup on transcript NM_000179.3 (MANE Select); coding-DNA positions 772 to 774, 3 bases duplicated (ATT; older notation c.772_774dupATT).
Protein change: p.Ile258_Gly259insIle.
Molecular consequence: inframe insertion. On other transcripts: 5 prime UTR variant (9), non-coding transcript variant (4), intron variant (1).
Genome position (GRCh38, 1-based): chr2:47,798,755-47,798,757, ATT duplicated. VCF-style (leftmost placement, unchanged base first): chr2-47798754-C-CATT. GRCh37 (hg19) VCF-style: chr2-48025893-C-CATT.
Other names: c.382_384dup, p.Ile128_Gly129insIle (NM_001281492.2); c.-135_-133dup (NM_001281493.2, NM_001281494.2, NM_001406811.1 and 6 more transcripts); c.868_870dup, p.Ile290_Gly291insIle (NM_001406795.1, NM_001406802.1); c.772_774dup, p.Ile258_Gly259insIle (NM_001406796.1, NM_001406798.1, NM_001406800.1 and 4 more transcripts); c.475_477dup, p.Ile159_Gly160insIle (NM_001406797.1, NM_001406801.1, NM_001406805.1 and 10 more transcripts); c.247_249dup, p.Ile83_Gly84insIle (NM_001406799.1, NM_001406806.1, NM_001406807.1); c.694_696dup, p.Ile232_Gly233insIle (NM_001406804.1); c.778_780dup, p.Ile260_Gly261insIle (NM_001406813.1); and 2 more.
Identifiers: ClinVar variation 2744364 (VCV002744364.3), dbSNP rs2530570725, ClinGen allele CA2697548117.